The following is an entry in ClinVar:

ClinVar aggregate classification (germline): Pathogenic/Likely pathogenic. Review status: criteria provided, multiple submitters, no conflicts (2 of 4 stars). 5 submissions from 5 submitters: Pathogenic (2); Likely pathogenic (2). 1 of the submissions does not count toward it. Last evaluated 2025-03-11.

Conditions:
Congenital disorder of glycosylation (CDG). Also called: Carbohydrate-deficient glycoprotein syndrome; Congenital disorders of glycosylation. Identifiers: Orphanet 137, MedGen C0282577, MONDO:0015286.
ALG1-congenital disorder of glycosylation. Also called: ALG1-CDG; CDG Ik; CONGENITAL DISORDER OF GLYCOSYLATION, TYPE Ik. Identifiers: Orphanet 79327, MedGen C2931005, MONDO:0012052, OMIM 608540.

Allele frequency attached by ClinVar (database versions not stated): gnomAD exomes below 0.00001; TOPMed 0.00001; gnomAD 0.00002.

Submissions (5):

GeneDx
Classification: Pathogenic. Last evaluated: 2025-03-11. Review status: criteria provided, single submitter. Criteria: GeneDx Variant Classification Process June 2021. Collection method: clinical testing. Allele origin: germline. Affected: yes.
Comment: Identified with a second ALG1 variant in a patient with a diagnosis of a congenital disorders of glycosylation, but it is not known whether the variants occurred on the same (in cis) or on different (in trans) chromosomes (PMID: 26931382); Canonical splice site variant predicted to result in a null allele in a gene for which loss of function is a known mechanism of disease; Not observed at significant frequency in large population cohorts (gnomAD); This variant is associated with the following publications: (PMID: 36719165, 26931382)

Fulgent Genetics
Classification: Likely pathogenic for ALG1-congenital disorder of glycosylation. Last evaluated: 2024-06-18. Review status: criteria provided, single submitter. Criteria: ACMG Guidelines, 2015. Collection method: clinical testing. Allele origin: germline.

Labcorp Genetics (formerly Invitae), Labcorp
Classification: Likely pathogenic for ALG1-congenital disorder of glycosylation. Last evaluated: 2023-06-16. Review status: criteria provided, single submitter. Criteria: Invitae Variant Classification Sherloc (09022015). Collection method: clinical testing. Allele origin: germline.
Comment: This sequence change affects an acceptor splice site in intron 11 of the ALG1 gene. It is expected to disrupt RNA splicing. Variants that disrupt the donor or acceptor splice site typically lead to a loss of protein function (PMID: 16199547), and loss-of-function variants in ALG1 are known to be pathogenic (PMID: 20679665, 23806237). This variant is present in population databases (rs794727073, gnomAD 0.007%). Disruption of this splice site has been observed in individual(s) with ALG1-related conditions (PMID: 26931382). ClinVar contains an entry for this variant (Variation ID: 194107). Algorithms developed to predict the effect of sequence changes on RNA splicing suggest that this variant may disrupt the consensus splice site. In summary, the currently available evidence indicates that the variant is pathogenic, but additional data are needed to prove that conclusively. Therefore, this variant has been classified as Likely Pathogenic.

Eurofins Ntd Llc (ga)
Classification: Pathogenic. Last evaluated: 2014-10-30. Review status: criteria provided, single submitter. Criteria: EGL Classification Definitions 2015. Collection method: clinical testing. Allele origin: germline. Observed: 2 variant alleles, 2 heterozygotes.

University of Washington Center for Mendelian Genomics, University of Washington
Classification: Likely pathogenic for Congenital disorder of glycosylation. Last evaluated: 2017-05-25. Review status: no assertion criteria provided. Collection method: research. Allele origin: unknown. Affected: yes. Not counted in ClinVar's aggregate classification.

Literature cited by the submitters: PubMed 16199547 (cited by Labcorp Genetics (formerly Invitae), Labcorp); PubMed 20679665 (cited by Labcorp Genetics (formerly Invitae), Labcorp); PubMed 23806237 (cited by Labcorp Genetics (formerly Invitae), Labcorp); PubMed 26931382 (cited by Labcorp Genetics (formerly Invitae), Labcorp and University of Washington Center for Mendelian Genomics, University of Washington).

NM_019109.5(ALG1):c.1188-2A>G

Gene: ALG1 (ALG1 chitobiosyldiphosphodolichol beta-mannosyltransferase; plus strand). Cytogenetic location: 16p13.3.
Variant type: single nucleotide variant.
Coding change: c.1188-2A>G on transcript NM_019109.5 (MANE Select); the canonical splice acceptor site of the intron before coding-DNA position 1188, A replaced by G.
Molecular consequence: splice acceptor variant.
Genome position (GRCh38, 1-based): chr16:5,083,680, A>G. VCF-style: chr16-5083680-A-G. GRCh37 (hg19) VCF-style: chr16-5133681-A-G.
Other names: c.855-2A>G (NM_001330504.2).
Identifiers: ClinVar variation 194107 (VCV000194107.12), dbSNP rs794727073, ClinGen allele CA277995.
Genomic context (GRCh38, chr16:5,083,680, plus strand): 5'-GCACCCCAGGGGTCTGGTGTCTTCTACAGGCAGCTCTCAGGCTCCCTTGGTTCTCTCTGC[A>G]GTTTACATGAGCTGGTGAAACATGAAGAAAATGGCCTGGTCTTTGAGGACTCAGAGGAAC-3'